The following is an entry in ClinVar:

NM_016138.5(COQ7):c.15GGC[5] (p.Ala9dup)

Genes: COQ7 (coenzyme Q7, hydroxylase; plus strand), COQ7-DT (COQ7 divergent transcript; minus strand), LOC130058587 (ATAC-STARR-seq lymphoblastoid silent region 7240; plus strand). Cytogenetic location: 16p12.3.
Variant type: Microsatellite.
Coding change: c.15GGC[5] on transcript NM_016138.5 (MANE Select); five copies in a row of the 3-base unit GGC starting at c.15; the reference has four copies in a row; one copy, 3 bases duplicated; also written c.24_26dup.
Protein change: p.Ala9dup; duplicates alanine 9.
Molecular consequence: inframe insertion. On other transcripts: non-coding transcript variant (5).
Genome position (GRCh38, 1-based): chr16:19,067,688-19,067,690, GGC duplicated; duplicating any 3 consecutive bases within chr16:19,067,679-19,067,690 gives the same sequence; the position shown is the placement nearest the transcript's 3' end. VCF-style (leftmost placement, unchanged base first): chr16-19067678-G-GGGC. GRCh37 (hg19) VCF-style: chr16-19079000-G-GGGC.
Other names: p.Ala9dup; c.15GGC[5], p.Ala9dup (NM_001370490.1); c.24_26dup (NM_016138.5).
Identifiers: ClinVar variation 1282807 (VCV001282807.10), dbSNP rs531281193, ClinGen allele CA7932822.

ClinVar aggregate classification (germline): Benign. Review status: criteria provided, multiple submitters, no conflicts (2 of 4 stars). 3 submissions from 3 submitters: Benign (3). Last evaluated 2026-02-02.

Submissions (3):

Labcorp Genetics (formerly Invitae), Labcorp
Classification: Benign. Last evaluated: 2026-02-02. Review status: criteria provided, single submitter. Criteria: Invitae Variant Classification Sherloc (09022015). Collection method: clinical testing. Allele origin: germline.

Mayo Clinic Laboratories, Mayo Clinic
Classification: Benign. Last evaluated: 2023-01-03. Review status: criteria provided, single submitter. Criteria: ACMG Guidelines, 2015. Collection method: clinical testing. Allele origin: germline. Observed: 3 variant alleles.
Comment: BA1

GeneDx
Classification: Benign. Last evaluated: 2018-11-06. Review status: criteria provided, single submitter. Criteria: GeneDx Variant Classification Process June 2021. Collection method: clinical testing. Allele origin: germline. Affected: yes.